The following is an entry in ClinVar:

NM_000059.4(BRCA2):c.6025C>T (p.Gln2009Ter)

Gene: BRCA2 (BRCA2 DNA repair associated; plus strand). Cytogenetic location: 13q13.1.
Variant type: single nucleotide variant.
Coding change: c.6025C>T on transcript NM_000059.4 (MANE Select); coding-DNA position 6025, C replaced by T.
Protein change: p.Gln2009Ter; replaces glutamine 2009 with a stop codon.
Molecular consequence: nonsense.
Genome position (GRCh38, 1-based): chr13:32,340,380, C>T. VCF-style: chr13-32340380-C-T. GRCh37 (hg19) VCF-style: chr13-32914517-C-T.
Other names: short protein forms Q2009*.
Identifiers: ClinVar variation 51990 (VCV000051990.27), dbSNP rs80358838, ClinGen allele CA023540.
Genomic context (GRCh38, chr13:32,340,380, plus strand): 5'-TCAGATGCTTCATTACAAAACGCAAGACAAGTGTTTTCTGAAATAGAAGATAGTACCAAG[C>T]AAGTCTTTTCCAAAGTATTGTTTAAAAGTAACGAACATTCAGACCAGCTCACAAGAGAAG-3'

ClinVar aggregate classification (germline): Pathogenic. Review status: reviewed by expert panel (3 of 4 stars). 12 submissions from 11 submitters: Pathogenic (1). 11 of the submissions do not count toward it. Last evaluated 2016-09-08.

Conditions:
BRCA2-related disorder. Also called: BRCA2-related condition; BRCA2-related disorders. Identifiers: MedGen CN239275.
Hereditary cancer-predisposing syndrome. Also called: Tumor predisposition; Neoplastic Syndromes, Hereditary; Hereditary Cancer Syndrome; Hereditary neoplastic syndrome. Identifiers: Orphanet 140162, MedGen C0027672, MeSH D009386, MONDO:0015356.
Hereditary breast ovarian cancer syndrome. Also called: Hereditary breast and ovarian cancer syndrome (HBOC); Hereditary breast and ovarian cancer syndrome; Hereditary breast and ovarian cancer; Hereditary breast and/or ovarian cancer syndrome; Breast and ovarian cancer; BRCA1- and BRCA2-Associated Hereditary Breast and Ovarian Cancer. Identifiers: Orphanet 145, MedGen C0677776, MeSH D061325, MONDO:0003582. Disease mechanism: loss of function.
Breast-ovarian cancer, familial, susceptibility to, 2 (BROVCA2). Also called: BRCA2 Hereditary Breast and Ovarian Cancer. Identifiers: Orphanet 145, MedGen C2675520, MONDO:0012933, OMIM 612555. Disease mechanism: loss of function.
Breast-ovarian cancer, familial, susceptibility to, 1 (BROVCA1). Also called: OVARIAN CANCER, SUSCEPTIBILITY TO; BRCA1 Hereditary Breast and Ovarian Cancer. Identifiers: Orphanet 145, MedGen C2676676, MONDO:0011450, OMIM 604370. Disease mechanism: loss of function.
Familial cancer of breast. Also called: Hereditary breast cancer; hereditary breast carcinoma; BREAST CANCER, FAMILIAL. Identifiers: Orphanet 227535, MedGen C0346153, MONDO:0016419, OMIM 114480. Disease mechanism: loss of function.

Submissions (12):

Evidence-based Network for the Interpretation of Germline Mutant Alleles (ENIGMA)
Classification: Pathogenic for Breast-ovarian cancer, familial, susceptibility to, 2. Last evaluated: 2016-09-08. Review status: reviewed by expert panel. Criteria: ENIGMA BRCA1/2 Classification Criteria (2015). Collection method: curation. Allele origin: germline.
Comment: Variant allele predicted to encode a truncated non-functional protein.

Labcorp Genetics (formerly Invitae), Labcorp
Classification: Pathogenic for Hereditary breast ovarian cancer syndrome. Last evaluated: 2025-04-27. Review status: criteria provided, single submitter. Criteria: Invitae Variant Classification Sherloc (09022015). Collection method: clinical testing. Allele origin: germline. Not counted in ClinVar's aggregate classification.
Comment: This sequence change creates a premature translational stop signal (p.Gln2009*) in the BRCA2 gene. It is expected to result in an absent or disrupted protein product. Loss-of-function variants in BRCA2 are known to be pathogenic (PMID: 20104584). This variant is not present in population databases (gnomAD no frequency). This premature translational stop signal has been observed in individual(s) with ovarian and breast cancer (PMID: 16284991, 27082205). ClinVar contains an entry for this variant (Variation ID: 51990). For these reasons, this variant has been classified as Pathogenic.

Ambry Genetics
Classification: Pathogenic for Hereditary cancer-predisposing syndrome. Last evaluated: 2024-12-10. Review status: criteria provided, single submitter. Criteria: Ambry Variant Classification Scheme 2023. Collection method: clinical testing. Allele origin: germline. Not counted in ClinVar's aggregate classification.
Comment: The p.Q2009* pathogenic mutation (also known as c.6025C>T), located in coding exon 10 of the BRCA2 gene, results from a C to T substitution at nucleotide position 6025. This changes the amino acid from a glutamine to a stop codon within coding exon 10. This mutation has been reported in multiple individuals diagnosed with breast and/or ovarian cancer (Pal T et al. Cancer. 2005 Dec;104:2807-16; Bu R et al. Int. J. Cancer. 2016 Sep;139:1091-7; Labidi-Galy SI et al. Clin Cancer Res. 2018 Jan 15;24(2):326-333; Rebbeck TR et al. Hum Mutat. 2018 May;39(5):593-620). In addition to the clinical data presented in the literature, this alteration is expected to result in loss of function by premature protein truncation or nonsense-mediated mRNA decay. As such, this alteration is interpreted as a disease-causing mutation.

Blueprint Genetics
Classification: Pathogenic for BRCA2-related disorders. Last evaluated: 2024-11-18. Review status: criteria provided, single submitter. Criteria: ACMG Guidelines, 2015. Collection method: clinical testing. Allele origin: germline. Affected: yes. Observed: 1 variant allele. Not counted in ClinVar's aggregate classification.

Quest Diagnostics Nichols Institute San Juan Capistrano
Classification: Pathogenic. Last evaluated: 2024-08-22. Review status: criteria provided, single submitter. Criteria: Quest Diagnostics criteria. Collection method: clinical testing. Allele origin: unknown. Not counted in ClinVar's aggregate classification.
Comment: The BRCA2 c.6025C>T (p.Gln2009*) variant alters the translational reading frame of the BRCA2 mRNA and causes the premature termination of BRCA2 protein synthesis. This variant has been reported in the published literature in individuals with breast or ovarian cancer in the published literature (PMIDs: 32451972 (2021), 27082205 (2016) and 16284991 (2005)). This variant has not been reported in large, multi-ethnic general populations (Genome Aggregation Database). Based on the available information, this variant is classified as pathogenic.

Institute of Human Genetics, University of Leipzig Medical Center
Classification: Pathogenic for Breast-ovarian cancer, familial, susceptibility to, 1. Last evaluated: 2024-05-21. Review status: criteria provided, single submitter. Criteria: ACMG Guidelines, 2015. Collection method: clinical testing. Allele origin: unknown. Inheritance: Autosomal dominant inheritance. Affected: yes. Not counted in ClinVar's aggregate classification.
Comment: Criteria applied: PVS1,PM5_STR,PM2_SUP

Color Diagnostics, LLC DBA Color Health
Classification: Pathogenic for Hereditary cancer-predisposing syndrome. Last evaluated: 2023-03-15. Review status: criteria provided, single submitter. Criteria: ACMG Guidelines, 2015. Collection method: clinical testing. Allele origin: germline. Not counted in ClinVar's aggregate classification.
Comment: This variant changes 1 nucleotide in exon 11 of the BRCA2 gene, creating a premature translation stop signal. This variant is expected to result in an absent or non-functional protein product. This variant has been reported in individuals affected with breast or ovarian cancer (PMID: 16284991, 27082205, 29084914, 32451972). This variant has not been identified in the general population by the Genome Aggregation Database (gnomAD). Loss of BRCA2 function is a known mechanism of disease. Based on the available evidence, this variant is classified as Pathogenic.

Baylor Genetics
Classification: Pathogenic for Familial cancer of breast. Last evaluated: 2022-09-06. Review status: criteria provided, single submitter. Criteria: ACMG Guidelines, 2015. Collection method: clinical testing. Allele origin: unknown. Not counted in ClinVar's aggregate classification.

Women's Health and Genetics/Laboratory Corporation of America, LabCorp
Classification: Pathogenic for Hereditary breast ovarian cancer syndrome. Last evaluated: 2021-07-09. Review status: criteria provided, single submitter. Criteria: LabCorp Variant Classification Summary - May 2015. Collection method: clinical testing. Allele origin: germline. Not counted in ClinVar's aggregate classification.
Comment: Variant summary: BRCA2 c.6025C>T (p.Gln2009X) results in a premature termination codon, predicted to cause a truncation of the encoded protein or absence of the protein due to nonsense mediated decay, which are commonly known mechanisms for disease. Truncations downstream of this position have been classified as pathogenic by our laboratory. The variant was absent in 250800 control chromosomes. c.6025C>T has been reported in the literature in individuals affected with Hereditary Breast And Ovarian Cancer Syndrome (e.g. Pal_2005, Bu_2016, Labidi-Galy_2017). These data indicate that the variant may be associated with disease. Five clinical diagnostic laboratories have submitted clinical-significance assessments for this variant to ClinVar after 2014 without evidence for independent evaluation. All laboratories classified the variant as pathogenic. Based on the evidence outlined above, the variant was classified as pathogenic.

Institute of Human Genetics, University of Leipzig Medical Center
Classification: Pathogenic for Breast-ovarian cancer, familial, susceptibility to, 2. Last evaluated: 2021-03-24. Review status: criteria provided, single submitter. Criteria: ACMG Guidelines, 2015. Collection method: clinical testing. Allele origin: unknown. Affected: yes. Not counted in ClinVar's aggregate classification.

Consortium of Investigators of Modifiers of BRCA1/2 (CIMBA), c/o University of Cambridge
Classification: Pathogenic for Breast-ovarian cancer, familial, susceptibility to, 2. Last evaluated: 2015-10-02. Review status: criteria provided, single submitter. Criteria: CIMBA Mutation Classification guidelines May 2016. Collection method: clinical testing. Allele origin: germline. Not counted in ClinVar's aggregate classification.

Breast Cancer Information Core (BIC) (BRCA2)
Classification: Pathogenic for Breast-ovarian cancer, familial 2. Last evaluated: 2002-05-29. Review status: no assertion criteria provided. Collection method: clinical testing. Allele origin: germline. Affected: yes. Observed: 3 variant alleles. Not counted in ClinVar's aggregate classification.

Literature cited by the submitters: PubMed 20104584 (cited by Labcorp Genetics (formerly Invitae), Labcorp); PubMed 16284991 (cited by 5 submitters); PubMed 27082205 (cited by 5 submitters); PubMed 29084914 (cited by 3 submitters); PubMed 25525159 (cited by Quest Diagnostics Nichols Institute San Juan Capistrano and Women's Health and Genetics/Laboratory Corporation of America, LabCorp); PubMed 32451972 (cited by Quest Diagnostics Nichols Institute San Juan Capistrano and Color Diagnostics, LLC DBA Color Health).